The following is an entry in ClinVar:

ClinVar aggregate classification (germline): not provided (0 of 4 stars; one submission).

Conditions:
Normal pregnancy. Identifiers: MedGen C0232989.

Submission:

Institute of Molecular and Cell Biology, University of Tartu
No classification provided. Condition: Normal pregnancy. Review status: no classification provided. Collection method: case-control. Allele origin: unknown. Affected: yes. Study: Kasak2014.
Comment: The study aimed to determine the contribution of copy number variants in the genetic etiology of normal and complicated pregnancies. The samples represented (i) maternal blood DNA drawn from healthy pregnant women during 1st or 2nd trimester and (ii) maternal and paternal blood DNA drawn at term pregnancy cases representing normal and complicated gestations (severe preeclampsia, PE; gestational diabetes, GD; small-for-gestational age newborn, SGA; large-for-gestational age newborn, LGA). We performed CNV calling based on genome-wide genotyping dataset (Illumina HumanOmniExpress-24-v1 BeadChip) by applying three algorithms, QuantiSNP, GADA (Genome Alteration Detection Algorithm) and CNstream in parallel. The acquired CNV calls were merged with HD-CNV (Hotspot Detector for Copy Number Variants) program and only the CNVs predicted by at least two programs, were considered in subsequent analysis.

Literature cited by the submitters: PubMed 25666259.

Single allele

Variant type: Deletion.
Identifiers: ClinVar variation 157369 (VCV000157369.2).